The following is an entry in ClinVar:

NM_004360.5(CDH1):c.1707C>G (p.Asp569Glu)

Gene: CDH1 (cadherin 1; plus strand). Cytogenetic location: 16q22.1.
Variant type: single nucleotide variant.
Coding change: c.1707C>G on transcript NM_004360.5 (MANE Select); coding-DNA position 1707, C replaced by G.
Protein change: p.Asp569Glu; replaces aspartic acid 569 with glutamic acid.
Molecular consequence: missense variant. On other transcripts: intron variant (1).
Genome position (GRCh38, 1-based): chr16:68,819,421, C>G. VCF-style: chr16-68819421-C-G. GRCh37 (hg19) VCF-style: chr16-68853324-C-G.
Other names: c.1524C>G, p.Asp508Glu (NM_001317184.2); c.159C>G, p.Asp53Glu (NM_001317185.2); c.-254-2580C>G (NM_001317186.2); short protein forms D508E, D569E, D53E.
Identifiers: ClinVar variation 4718568 (VCV004718568.1).

ClinVar aggregate classification (germline): Uncertain significance (1 of 4 stars; one submission).

Conditions:
Hereditary diffuse gastric adenocarcinoma (HDGC). Also called: DIFFUSE GASTRIC AND LOBULAR BREAST CANCER SYNDROME. Identifiers: Orphanet 26106, MedGen C1708349, MONDO:0007648, OMIM 137215.

Submission:

Labcorp Genetics (formerly Invitae), Labcorp
Classification: Uncertain significance for Hereditary diffuse gastric adenocarcinoma. Last evaluated: 2025-04-29. Review status: criteria provided, single submitter. Criteria: Invitae Variant Classification Sherloc (09022015). Collection method: clinical testing. Allele origin: germline.
Comment: This sequence change replaces aspartic acid, which is acidic and polar, with glutamic acid, which is acidic and polar, at codon 569 of the CDH1 protein (p.Asp569Glu). This variant is not present in population databases (gnomAD no frequency). This missense change has been observed in individual(s) with breast cancer (PMID: 30287823). An algorithm developed to predict the effect of missense changes on protein structure and function (PolyPhen-2) suggests that this variant is likely to be disruptive. In summary, the available evidence is currently insufficient to determine the role of this variant in disease. Therefore, it has been classified as a Variant of Uncertain Significance.

Literature cited by the submitters: PubMed 30287823.